The following is an entry in ClinVar:

GRCh38/hg38 22q11.1-11.21(chr22:16374956-20321277)x1

Genes: LINC00896 (long independently transcribed non-coding RNA 896; plus strand), LINC01311 (long independently transcribed non-coding RNA 1311; plus strand), LINC01634 (long independently transcribed non-coding RNA 1634; plus strand), LINC01664 (long independently transcribed non-coding RNA 1664; plus strand), LINC01665 (long independently transcribed non-coding RNA 1665; minus strand) and 232 more. Cytogenetic location: 22q11.1-11.21.
Variant type: copy number loss.
Change: copy number 1 (one copy instead of two) of chr22:16,374,956-20,321,277 (3.95 Mb, GRCh38 coordinates, 1-based), cytogenetic band 22q11.1-11.21.
Identifiers: ClinVar variation 4890941 (VCV004890941.1).

ClinVar aggregate classification (germline): Pathogenic (1 of 4 stars; one submission).

Submission:

Clinical Genomics Laboratory, Laboratory for Precision Diagnostics, University of Washington
Classification: Pathogenic. Last evaluated: 2023-07-27. Review status: criteria provided, single submitter. Criteria: ACMG/ClinGen CNV Guidelines, 2019. Collection method: clinical testing. Allele origin: unknown. Affected: yes. Observed: 1 variant allele.
Comment: This deletion extends from the centromere of chromosome 22 to LCR22B, encompassing both the region involved in cat eye syndrome (CES) and the deletion of LCR22A-B found in about 5% of people with 22q11.2 deletion syndrome.

Literature cited by the submitters: PubMed 26997945; PubMed 16708226; PubMed 30799418.